The following is an entry in ClinVar:

NM_003072.5(SMARCA4):c.3428A>G (p.Asn1143Ser)

Gene: SMARCA4 (SWI/SNF related BAF chromatin remodeling complex subunit ATPase 4; plus strand). Cytogenetic location: 19p13.2.
Variant type: single nucleotide variant.
Coding change: c.3428A>G on transcript NM_003072.5 (MANE Select); coding-DNA position 3428, A replaced by G.
Protein change: p.Asn1143Ser; replaces asparagine 1143 with serine.
Molecular consequence: missense variant. On other transcripts: non-coding transcript variant (1).
Genome position (GRCh38, 1-based): chr19:11,030,775, A>G. VCF-style: chr19-11030775-A-G. GRCh37 (hg19) VCF-style: chr19-11141451-A-G.
Other names: c.3428A>G, p.Asn1143Ser (NM_001128844.3, NM_001128845.2, NM_001128846.2 and 6 more transcripts); short protein forms N1143S.
Identifiers: ClinVar variation 1731323 (VCV001731323.2), dbSNP rs2146599087, ClinGen allele CA404062711.

ClinVar aggregate classification (germline): Uncertain significance (1 of 4 stars; one submission).

Conditions:
Hereditary cancer-predisposing syndrome. Also called: Neoplastic Syndromes, Hereditary; Tumor predisposition; Hereditary Cancer Syndrome; Hereditary neoplastic syndrome. Identifiers: Orphanet 140162, MedGen C0027672, MeSH D009386, MONDO:0015356.

Submission:

Ambry Genetics
Classification: Uncertain significance for Hereditary cancer-predisposing syndrome. Last evaluated: 2022-08-18. Review status: criteria provided, single submitter. Criteria: Ambry Variant Classification Scheme 2023. Collection method: clinical testing. Allele origin: germline.
Comment: The p.N1143S variant (also known as c.3428A>G), located in coding exon 24 of the SMARCA4 gene, results from an A to G substitution at nucleotide position 3428. The asparagine at codon 1143 is replaced by serine, an amino acid with highly similar properties. This amino acid position is highly conserved in available vertebrate species. In addition, this alteration is predicted to be tolerated by in silico analysis. Missense and in-frame variants in SMARCA4 are known to cause neurodevelopmental disorders; however, such associations with rhabdoid tumor predisposition syndrome including small cell carcinoma of the ovary-hypercalcemic type (SCCOHT) are exceedingly rare (Kosho T et al. Am J Med Genet C Semin Med Genet. 2014 Sep;166C(3):262-75; Jelinic P et al. Nat Genet. 2014 May;46(5):424-6). Based on the supporting evidence, the association of this alteration with Coffin-Siris syndrome is unknown; however, the association of this alteration with rhabdoid tumor predisposition syndrome is unlikely.